The following is an entry in ClinVar:

NM_001018005.2(TPM1):c.539A>G (p.Glu180Gly)

Gene: TPM1 (tropomyosin 1; plus strand). Cytogenetic location: 15q22.2.
Variant type: single nucleotide variant.
Coding change: c.539A>G on transcript NM_001018005.2 (MANE Select); coding-DNA position 539, A replaced by G.
Protein change: p.Glu180Gly; replaces glutamic acid 180 with glycine.
Molecular consequence: missense variant.
Genome position (GRCh38, 1-based): chr15:63,060,915, A>G. VCF-style: chr15-63060915-A-G. GRCh37 (hg19) VCF-style: chr15-63353114-A-G.
Other names: p.E180G:GAG>GGG; c.539A>G, p.Glu180Gly (NM_000366.6, NM_001018004.2, NM_001018006.2 and 6 more transcripts); c.431A>G, p.Glu144Gly (NM_001018008.2, NM_001301289.2, NM_001330344.2 and 5 more transcripts); c.665A>G, p.Glu222Gly (NM_001365778.1); short protein forms E180G, E222G, E144G.
Identifiers: ClinVar variation 12455 (VCV000012455.10), dbSNP rs104894502, ClinGen allele CA019017.

ClinVar aggregate classification (germline): Pathogenic. Review status: criteria provided, multiple submitters, no conflicts (2 of 4 stars). 4 submissions from 4 submitters: Pathogenic (2). 2 of the submissions do not count toward it. Last evaluated 2023-02-03.

Conditions:
Hypertrophic cardiomyopathy 3. Also called: TPM1-Related Familial Hypertrophic Cardiomyopathy. Identifiers: MedGen C1861863, MONDO:0007267, OMIM 115196.
Hypertrophic cardiomyopathy. Also called: HYPERTROPHIC MYOCARDIOPATHY. Identifiers: Orphanet 217569, MedGen C0007194, MeSH D002312, MONDO:0005045, HP:0001639.

Submissions (4):

Labcorp Genetics (formerly Invitae), Labcorp
Classification: Pathogenic for Hypertrophic cardiomyopathy. Last evaluated: 2023-02-03. Review status: criteria provided, single submitter. Criteria: Invitae Variant Classification Sherloc (09022015). Collection method: clinical testing. Allele origin: germline.
Comment: This sequence change replaces glutamic acid, which is acidic and polar, with glycine, which is neutral and non-polar, at codon 180 of the TPM1 protein (p.Glu180Gly). This variant is not present in population databases (gnomAD no frequency). This missense change has been observed in individual(s) with hypertrophic cardiomyopathy (PMID: 8205619). It has also been observed to segregate with disease in related individuals. ClinVar contains an entry for this variant (Variation ID: 12455). Algorithms developed to predict the effect of missense changes on protein structure and function are either unavailable or do not agree on the potential impact of this missense change (SIFT: "Deleterious"; PolyPhen-2: "Probably Damaging"; Align-GVGD: "Class C0"). Experimental studies have shown that this missense change affects TPM1 function (PMID: 10900175, 11603924, 22789852). This variant disrupts the p.Glu180 amino acid residue in TPM1. Other variant(s) that disrupt this residue have been determined to be pathogenic (PMID: 11044437; Invitae). This suggests that this residue is clinically significant, and that variants that disrupt this residue are likely to be disease-causing. For these reasons, this variant has been classified as Pathogenic.

GeneDx
Classification: Pathogenic. Last evaluated: 2021-06-28. Review status: criteria provided, single submitter. Criteria: GeneDx Variant Classification Process June 2021. Collection method: clinical testing. Allele origin: germline. Affected: yes.
Comment: Multiple published functional studies demonstrate increased tropomyosin calcium-sensitivity and perturbation of normal contractile kinetics (Bing et al., 1997; Bai et al., 2011; Borovikov et al., 2011; Ly and Lehrer, 2012); transgenic animal models demonstrate diastolic dysfunction, hypertrophy, and fibrosis (Prabhakar et al., 2001; Michele et al., 2002; Gaffin et al., 2011); In silico analysis, which includes protein predictors and evolutionary conservation, supports a deleterious effect; Not observed at significant frequency in large population cohorts (Lek et al., 2016); This variant is associated with the following publications: (PMID: 21320446, 27878731, 12169652, 22155441, 21295541, 9245729, 22794249, 22958892, 22187526, 10900175, 8205619, 25525159, 11136687, 20161772, 25241052, 22796693, 21047515, 8327508, 26109583, 22789852, 21376702, 11603924, 17313334, 29636697, 21840315, 27535533, 31535252)

Leiden Muscular Dystrophy (TPM1)
No classification provided. Condition: Familial hypertrophic cardiomyopathy 3. Last evaluated: 2012-04-15. Review status: no classification provided. Collection method: curation. Allele origin: germline. Not counted in ClinVar's aggregate classification.

OMIM
Classification: Pathogenic for CARDIOMYOPATHY, FAMILIAL HYPERTROPHIC, 3. Last evaluated: 1994-06-03. Review status: no assertion criteria provided. Collection method: literature only. Allele origin: germline. Not counted in ClinVar's aggregate classification.

Literature cited by the submitters: PubMed 8205619 (cited by Labcorp Genetics (formerly Invitae), Labcorp and OMIM); PubMed 10900175 (cited by Labcorp Genetics (formerly Invitae), Labcorp); PubMed 11603924 (cited by Labcorp Genetics (formerly Invitae), Labcorp); PubMed 22789852 (cited by Labcorp Genetics (formerly Invitae), Labcorp); PubMed 11044437 (cited by Labcorp Genetics (formerly Invitae), Labcorp).